The following is an entry in ClinVar:

ClinVar aggregate classification (germline): Uncertain significance (1 of 4 stars; one submission).

Conditions:
Inborn genetic diseases. Identifiers: MedGen C0950123, MeSH D030342.

gnomAD v4.1: 1 of 1,614,104 alleles (0.000062%); highest among the groups gnomAD compares: Non-Finnish European, 0.000085%; no homozygotes.

Submission:

Ambry Genetics
Classification: Uncertain significance for Inborn genetic diseases. Last evaluated: 2025-01-13. Review status: criteria provided, single submitter. Criteria: Ambry Variant Classification Scheme 2023. Collection method: clinical testing. Allele origin: germline.
Comment: The p.Q1883H variant (also known as c.5649G>C), located in coding exon 21 of the FANCM gene, results from a G to C substitution at nucleotide position 5649. The glutamine at codon 1883 is replaced by histidine, an amino acid with highly similar properties. This amino acid position is conserved. In addition, this alteration is predicted to be tolerated by in silico analysis. Based on the available evidence, the clinical significance of this variant remains unclear.

NM_020937.4(FANCM):c.5649G>C (p.Gln1883His)

Gene: FANCM (FA complementation group M; plus strand). Cytogenetic location: 14q21.2.
Variant type: single nucleotide variant.
Coding change: c.5649G>C on transcript NM_020937.4 (MANE Select); coding-DNA position 5649, G replaced by C.
Protein change: p.Gln1883His; replaces glutamine 1883 with histidine.
Molecular consequence: missense variant.
Genome position (GRCh38, 1-based): chr14:45,196,480, G>C. VCF-style: chr14-45196480-G-C. GRCh37 (hg19) VCF-style: chr14-45665683-G-C.
Other names: c.5571G>C, p.Gln1857His (NM_001308133.2); short protein forms Q1857H, Q1883H.
Identifiers: ClinVar variation 3848624 (VCV003848624.1).